The following is an entry in ClinVar:

NM_004366.6(CLCN2):c.175C>G (p.Pro59Ala)

Gene: CLCN2 (chloride voltage-gated channel 2; minus strand). Cytogenetic location: 3q27.1.
Variant type: single nucleotide variant.
Coding change: c.175C>G on transcript NM_004366.6 (MANE Select); coding-DNA position 175, C replaced by G.
Protein change: p.Pro59Ala; replaces proline 59 with alanine.
Molecular consequence: missense variant.
Genome position (GRCh38, 1-based): chr3:184,359,020, G>C on the plus strand (C>G on the coding strand, the complement: CLCN2 is on the minus strand). VCF-style: chr3-184359020-G-C. GRCh37 (hg19) VCF-style: chr3-184076808-G-C.
Other names: c.175C>G, p.Pro59Ala (NM_001171087.3, NM_001171088.3, NM_001171089.3); short protein forms P59A.
Identifiers: ClinVar variation 3674771 (VCV003674771.2).

ClinVar aggregate classification (germline): Uncertain significance (1 of 4 stars; one submission).

Submission:

Labcorp Genetics (formerly Invitae), Labcorp
Classification: Uncertain significance. Last evaluated: 2024-04-03. Review status: criteria provided, single submitter. Criteria: Invitae Variant Classification Sherloc (09022015). Collection method: clinical testing. Allele origin: germline.
Comment: This sequence change replaces proline, which is neutral and non-polar, with alanine, which is neutral and non-polar, at codon 59 of the CLCN2 protein (p.Pro59Ala). This variant is present in population databases (rs778854085, gnomAD 0.002%). This variant has not been reported in the literature in individuals affected with CLCN2-related conditions. Advanced modeling of protein sequence and biophysical properties (such as structural, functional, and spatial information, amino acid conservation, physicochemical variation, residue mobility, and thermodynamic stability) performed at Invitae indicates that this missense variant is not expected to disrupt CLCN2 protein function with a negative predictive value of 80%. In summary, the available evidence is currently insufficient to determine the role of this variant in disease. Therefore, it has been classified as a Variant of Uncertain Significance.